The following is an entry in ClinVar:

NM_001232.4(CASQ2):c.645C>T (p.Asp215=)

Gene: CASQ2 (calsequestrin 2; minus strand). Cytogenetic location: 1p13.1.
Variant type: single nucleotide variant.
Coding change: c.645C>T on transcript NM_001232.4 (MANE Select); coding-DNA position 645, C replaced by T.
Protein change: p.Asp215=; no amino-acid change (aspartic acid 215 retained).
Molecular consequence: synonymous variant.
Genome position (GRCh38, 1-based): chr1:115,727,084, G>A on the plus strand (C>T on the coding strand, the complement: CASQ2 is on the minus strand). VCF-style: chr1-115727084-G-A. GRCh37 (hg19) VCF-style: chr1-116269705-G-A.
Other names: p.Asp215=; c.645C>T (NM_001232.3).
Identifiers: ClinVar variation 1532075 (VCV001532075.11), dbSNP rs1320292050, ClinGen allele CA419895989.
Genomic context (GRCh38, chr1:115,727,084, plus strand): 5'-CTCTTCTGTGTAAGGTTTGTTGGGGATGGCAATGGGCTCATCCATAAATGGCTCATAGAA[G>A]TCAACCTCATTCATCTTCAAAGATAATTTCTTTGCAACCTGTAACCATTAGAAATAAGAC-3'
Protein context (NP_001223.2, residues 205-225): KKLSLKMNEV[Asp215=]FYEPFMDEPI

ClinVar aggregate classification (germline): Likely benign. Review status: criteria provided, multiple submitters, no conflicts (2 of 4 stars). 3 submissions from 3 submitters: Likely benign (3). Last evaluated 2025-08-03.

Conditions:
Cardiovascular phenotype. Identifiers: MedGen CN230736.
Catecholaminergic polymorphic ventricular tachycardia 1. Also called: VENTRICULAR TACHYCARDIA, STRESS-INDUCED POLYMORPHIC 1; VENTRICULAR TACHYCARDIA, CATECHOLAMINERGIC POLYMORPHIC, 1, WITH OR WITHOUT ATRIAL DYSFUNCTION AND/OR DILATED CARDIOMYOPATHY; RYR2-Related Catecholaminergic Polymorphic Ventricular Tachycardia. Identifiers: Orphanet 3286, MedGen C1631597, MONDO:0011484, OMIM 604772.

Allele frequency attached by ClinVar (database versions not stated): gnomAD exomes below 0.00001; gnomAD 0.00001; TOPMed 0.00001.
gnomAD v4.1: 7 of 1,613,006 alleles (0.00043%); highest among the groups gnomAD compares: Non-Finnish European, 0.00059%; no homozygotes.

Submissions (3):

Ambry Genetics
Classification: Likely benign for Cardiovascular phenotype. Last evaluated: 2025-08-03. Review status: criteria provided, single submitter. Criteria: Ambry Variant Classification Scheme 2023. Collection method: clinical testing. Allele origin: germline.

Labcorp Genetics (formerly Invitae), Labcorp
Classification: Likely benign for Catecholaminergic polymorphic ventricular tachycardia 1. Last evaluated: 2025-05-23. Review status: criteria provided, single submitter. Criteria: Invitae Variant Classification Sherloc (09022015). Collection method: clinical testing. Allele origin: germline.

Mayo Clinic Laboratories, Mayo Clinic
Classification: Likely benign. Last evaluated: 2025-03-05. Review status: criteria provided, single submitter. Criteria: ACMG Guidelines, 2015. Collection method: clinical testing. Allele origin: germline. Observed: 1 variant allele.
Comment: BP4, BP7, PM2_supporting